The following is an entry in ClinVar:

ClinVar aggregate classification (germline): Uncertain significance. Review status: criteria provided, multiple submitters, no conflicts (2 of 4 stars). 2 submissions from 2 submitters: Uncertain significance (2). Last evaluated 2025-10-03.

Conditions:
Hereditary cancer-predisposing syndrome. Also called: Hereditary neoplastic syndrome; Tumor predisposition; Neoplastic Syndromes, Hereditary; Hereditary Cancer Syndrome. Identifiers: Orphanet 140162, MedGen C0027672, MeSH D009386, MONDO:0015356.
Ataxia-telangiectasia-like disorder (ATLD). Identifiers: MedGen C1858391, MONDO:0011457.

Allele frequency attached by ClinVar (database versions not stated): gnomAD exomes below 0.00001; TOPMed below 0.00001; ExAC 0.00001.

Submissions (2):

Ambry Genetics
Classification: Uncertain significance for Hereditary cancer-predisposing syndrome. Last evaluated: 2025-10-03. Review status: criteria provided, single submitter. Criteria: Ambry Variant Classification Scheme 2023. Collection method: clinical testing. Allele origin: germline.
Comment: The p.I15T variant (also known as c.44T>C), located in coding exon 2 of the MRE11A gene, results from a T to C substitution at nucleotide position 44. The isoleucine at codon 15 is replaced by threonine, an amino acid with similar properties. This amino acid position is highly conserved in available vertebrate species. In addition, this alteration is predicted to be deleterious by in silico analysis. Since supporting evidence is limited at this time, the clinical significance of this alteration remains unclear.

Labcorp Genetics (formerly Invitae), Labcorp
Classification: Uncertain significance for Ataxia-telangiectasia-like disorder. Last evaluated: 2022-02-05. Review status: criteria provided, single submitter. Criteria: Invitae Variant Classification Sherloc (09022015). Collection method: clinical testing. Allele origin: germline.
Comment: This sequence change replaces isoleucine, which is neutral and non-polar, with threonine, which is neutral and polar, at codon 15 of the MRE11 protein (p.Ile15Thr). This variant is present in population databases (rs758942894, gnomAD 0.0009%). This variant has not been reported in the literature in individuals affected with MRE11-related conditions. ClinVar contains an entry for this variant (Variation ID: 569752). Algorithms developed to predict the effect of missense changes on protein structure and function are either unavailable or do not agree on the potential impact of this missense change (SIFT: "Deleterious"; PolyPhen-2: "Probably Damaging"; Align-GVGD: "Class C0"). In summary, the available evidence is currently insufficient to determine the role of this variant in disease. Therefore, it has been classified as a Variant of Uncertain Significance.

NM_005591.4(MRE11):c.44T>C (p.Ile15Thr)

Gene: MRE11 (MRE11 double strand break repair nuclease; minus strand). Cytogenetic location: 11q21.
Variant type: single nucleotide variant.
Coding change: c.44T>C on transcript NM_005591.4 (MANE Select); coding-DNA position 44, T replaced by C.
Protein change: p.Ile15Thr; replaces isoleucine 15 with threonine.
Molecular consequence: missense variant.
Genome position (GRCh38, 1-based): chr11:94,490,942, A>G on the plus strand (T>C on the coding strand, the complement: MRE11 is on the minus strand). VCF-style: chr11-94490942-A-G. GRCh37 (hg19) VCF-style: chr11-94224108-A-G.
Other names: c.44T>C, p.Ile15Thr (NM_001330347.2, NM_005590.4); short protein forms I15T.
Identifiers: ClinVar variation 569752 (VCV000569752.13), dbSNP rs758942894, ClinGen allele CA6235466.